The following is an entry in ClinVar:

NM_015046.7(SETX):c.1999G>A (p.Asp667Asn)

Gene: SETX (senataxin; minus strand). Cytogenetic location: 9q34.13.
Variant type: single nucleotide variant.
Coding change: c.1999G>A on transcript NM_015046.7 (MANE Select); coding-DNA position 1999, G replaced by A.
Protein change: p.Asp667Asn; replaces aspartic acid 667 with asparagine.
Molecular consequence: missense variant.
Genome position (GRCh38, 1-based): chr9:132,329,599, C>T on the plus strand (G>A on the coding strand, the complement: SETX is on the minus strand). VCF-style: chr9-132329599-C-T. GRCh37 (hg19) VCF-style: chr9-135204986-C-T.
Other names: c.1999G>A, p.Asp667Asn (NM_001351527.2, NM_001351528.2); short protein forms D667N.
Identifiers: ClinVar variation 2154656 (VCV002154656.4), dbSNP rs2539127136, ClinGen allele CA375337206.

ClinVar aggregate classification (germline): Uncertain significance (1 of 4 stars; one submission).

Conditions:
Amyotrophic lateral sclerosis type 4 (ALS4). Also called: AMYOTROPHIC LATERAL SCLEROSIS 4, JUVENILE; NEURONOPATHY, DISTAL HEREDITARY MOTOR, WITH PYRAMIDAL FEATURES. Identifiers: Orphanet 357043, MedGen C1865409, MONDO:0011223, OMIM 602433.
Spinocerebellar ataxia, autosomal recessive, with axonal neuropathy 2 (SCAN2). Also called: ATAXIA-OCULOMOTOR APRAXIA 2; Ataxia-ocular apraxia-2; Ataxia with Oculomotor Apraxia; Ataxia with Oculomotor Apraxia Type 2. Identifiers: Orphanet 64753, MedGen C1853761, MONDO:0018996, OMIM 606002.

Allele frequency attached by ClinVar (database versions not stated): gnomAD exomes below 0.00001.
gnomAD v4.1: 1 of 1,613,854 alleles (0.000062%); highest among the groups gnomAD compares: Non-Finnish European, 0.000085%; no homozygotes.

Submission:

Labcorp Genetics (formerly Invitae), Labcorp
Classification: Uncertain significance for Amyotrophic lateral sclerosis type 4; Spinocerebellar ataxia, autosomal recessive, with axonal neuropathy 2. Last evaluated: 2023-03-11. Review status: criteria provided, single submitter. Criteria: Invitae Variant Classification Sherloc (09022015). Collection method: clinical testing. Allele origin: germline.
Comment: In summary, the available evidence is currently insufficient to determine the role of this variant in disease. Therefore, it has been classified as a Variant of Uncertain Significance. Advanced modeling of protein sequence and biophysical properties (such as structural, functional, and spatial information, amino acid conservation, physicochemical variation, residue mobility, and thermodynamic stability) performed at Invitae indicates that this missense variant is not expected to disrupt SETX protein function. ClinVar contains an entry for this variant (Variation ID: 2154656). This variant has not been reported in the literature in individuals affected with SETX-related conditions. This variant is not present in population databases (gnomAD no frequency). This sequence change replaces aspartic acid, which is acidic and polar, with asparagine, which is neutral and polar, at codon 667 of the SETX protein (p.Asp667Asn).